The following is an entry in ClinVar:

NM_015346.4(ZFYVE26):c.6920C>T (p.Ser2307Phe)

Gene: ZFYVE26 (zinc finger FYVE-type containing 26; minus strand). Cytogenetic location: 14q24.1.
Variant type: single nucleotide variant.
Coding change: c.6920C>T on transcript NM_015346.4 (MANE Select); coding-DNA position 6920, C replaced by T.
Protein change: p.Ser2307Phe; replaces serine 2307 with phenylalanine.
Molecular consequence: missense variant.
Genome position (GRCh38, 1-based): chr14:67,755,117, G>A on the plus strand (C>T on the coding strand, the complement: ZFYVE26 is on the minus strand). VCF-style: chr14-67755117-G-A. GRCh37 (hg19) VCF-style: chr14-68221834-G-A.
Other names: short protein forms S2307F.
Identifiers: ClinVar variation 1063285 (VCV001063285.4), dbSNP rs769908270, ClinGen allele CA7239111.

ClinVar aggregate classification (germline): Uncertain significance (1 of 4 stars; one submission).

Conditions:
Spastic paraplegia. Identifiers: MedGen C0037772, HP:0001258.

Allele frequency attached by ClinVar (database versions not stated): ExAC 0.00001; gnomAD exomes 0.00001 and 0.00002.
gnomAD v4.1: 31 of 1,614,132 alleles (0.0019%); highest among the groups gnomAD compares: Non-Finnish European, 0.0026%; no homozygotes.

Submission:

Labcorp Genetics (formerly Invitae), Labcorp
Classification: Uncertain significance for Spastic paraplegia. Last evaluated: 2022-09-07. Review status: criteria provided, single submitter. Criteria: Invitae Variant Classification Sherloc (09022015). Collection method: clinical testing. Allele origin: germline.
Comment: This sequence change replaces serine, which is neutral and polar, with phenylalanine, which is neutral and non-polar, at codon 2307 of the ZFYVE26 protein (p.Ser2307Phe). This variant is present in population databases (rs769908270, gnomAD 0.002%). This variant has not been reported in the literature in individuals affected with ZFYVE26-related conditions. ClinVar contains an entry for this variant (Variation ID: 1063285). Algorithms developed to predict the effect of missense changes on protein structure and function are either unavailable or do not agree on the potential impact of this missense change (SIFT: "Deleterious"; PolyPhen-2: "Possibly Damaging"; Align-GVGD: "Class C0"). In summary, the available evidence is currently insufficient to determine the role of this variant in disease. Therefore, it has been classified as a Variant of Uncertain Significance.